The following is an entry in ClinVar:

ClinVar aggregate classification (germline): Benign (1 of 4 stars; one submission).

Conditions:
Lynch syndrome 4 (LYNCH4). Also called: Colorectal cancer, hereditary nonpolyposis, type 4; Hereditary non-polyposis colorectal cancer, type 4. Identifiers: Orphanet 144, MedGen C1838333, MONDO:0013699, OMIM 614337. Disease mechanism: loss of function.

Submission:

Myriad Genetics, Inc.
Classification: Benign for Lynch syndrome 4. Last evaluated: 2025-01-28. Review status: criteria provided, single submitter. Criteria: Myriad Autosomal Dominant, Autosomal Recessive and X-Linked Classification Criteria (2023). Collection method: clinical testing. Allele origin: unknown.
Comment: This variant is considered benign. This variant is intronic and is not expected to impact mRNA splicing.

NM_000535.7(PMS2):c.804-42T>G

Gene: PMS2 (PMS1 homolog 2, mismatch repair system component; minus strand). Cytogenetic location: 7p22.1.
Variant type: single nucleotide variant.
Coding change: c.804-42T>G on transcript NM_000535.7 (MANE Select); 42 bases into the intron before coding-DNA position 804, T replaced by G.
Molecular consequence: intron variant.
Genome position (GRCh38, 1-based): chr7:5,995,675, A>C on the plus strand (T>G on the coding strand, the complement: PMS2 is on the minus strand). VCF-style: chr7-5995675-A-C. GRCh37 (hg19) VCF-style: chr7-6035306-A-C.
Other names: c.486-42T>G (NM_001322008.2, NM_001406902.1, NM_001406883.1 and 4 more transcripts); c.495-42T>G (NM_001406881.1, NM_001406879.1, NM_001322015.2 and 6 more transcripts); c.399-42T>G (NM_001406895.1, NM_001322010.2, NM_001322004.2 and 19 more transcripts); c.133-3618T>G (NM_001406911.1); c.291-42T>G (NM_001406904.1, NM_001406905.1); c.231-42T>G (NM_001322013.2, NM_001406909.1); c.-130-42T>G (NM_001322012.2, NM_001322011.2); c.468-42T>G (NM_001406885.1); and 8 more.
Identifiers: ClinVar variation 3904439 (VCV003904439.1).